The following is an entry in ClinVar:

ClinVar aggregate classification (germline): Likely benign (1 of 4 stars; one submission).

Conditions:
Multiple endocrine neoplasia, type 1 (MEN1). Also called: MEN I; WERMER SYNDROME; Endocrine adenomatosis multiple; MEN 1; MEA I. Identifiers: Orphanet 652, MedGen C0025267, MeSH D018761, MONDO:0007540, OMIM 131100.

Submission:

Myriad Genetics, Inc.
Classification: Likely benign for Multiple endocrine neoplasia, type 1. Last evaluated: 2024-11-01. Review status: criteria provided, single submitter. Criteria: Myriad Autosomal Dominant, Autosomal Recessive and X-Linked Classification Criteria (2023). Collection method: clinical testing. Allele origin: unknown.
Comment: This variant is considered likely benign. This variant is intronic and is not expected to impact mRNA splicing.

NM_001370259.2(MEN1):c.445+8C>T

Gene: MEN1 (menin 1; minus strand). Cytogenetic location: 11q13.1.
Variant type: single nucleotide variant.
Coding change: c.445+8C>T on transcript NM_001370259.2 (MANE Select); 8 bases into the intron after coding-DNA position 445, C replaced by T.
Molecular consequence: intron variant. On other transcripts: synonymous variant (8), non-coding transcript variant (2).
Genome position (GRCh38, 1-based): chr11:64,809,657, G>A on the plus strand (C>T on the coding strand, the complement: MEN1 is on the minus strand). VCF-style: chr11-64809657-G-A. GRCh37 (hg19) VCF-style: chr11-64577129-G-A.
Other names: c.453C>T, p.Ser151= (NM_000244.4, NM_001407145.1, NM_001407150.1 and 5 more transcripts); c.445+8C>T (NM_001407148.1, NM_130799.3, NM_001407144.1 and 12 more transcripts).
Identifiers: ClinVar variation 3773394 (VCV003773394.1).